The following is an entry in ClinVar:

ClinVar aggregate classification (germline): Conflicting classifications of pathogenicity. Review status: criteria provided, conflicting classifications (1 of 4 stars). 3 submissions from 3 submitters: Uncertain significance (1); Likely benign (2). Last evaluated 2025-07-13.

Conditions:
Medium-chain acyl-coenzyme A dehydrogenase deficiency (ACADMD). Also called: Medium chain acyl-CoA dehydrogenase deficiency; MCAD Deficiency; CARNITINE DEFICIENCY SECONDARY TO MEDIUM-CHAIN ACYL-CoA DEHYDROGENASE DEFICIENCY; MCADD; ACADM DEFICIENCY; MCADH DEFICIENCY. Identifiers: Orphanet 42, MedGen C0220710, MONDO:0008721, OMIM 201450.

Allele frequency attached by ClinVar (database versions not stated): gnomAD exomes 0.00002; TOPMed 0.00002.
gnomAD v4.1: 32 of 1,611,352 alleles (0.002%); highest among the groups gnomAD compares: African/African-American, 0.0027%; no homozygotes.

Submissions (3):

Labcorp Genetics (formerly Invitae), Labcorp
Classification: Likely benign for Medium-chain acyl-coenzyme A dehydrogenase deficiency. Last evaluated: 2025-07-13. Review status: criteria provided, single submitter. Criteria: Invitae Variant Classification Sherloc (09022015). Collection method: clinical testing. Allele origin: germline.

CeGaT Center for Human Genetics Tuebingen
Classification: Likely benign. Last evaluated: 2025-04-01. Review status: criteria provided, single submitter. Criteria: CeGaT Center For Human Genetics Tuebingen Variant Classification Criteria Version 2. Collection method: clinical testing. Allele origin: germline. Affected: yes. Observed: 1 variant allele.
Comment: ACADM: BP4, BP7

Illumina Laboratory Services, Illumina
Classification: Uncertain significance for Medium-chain acyl-coenzyme A dehydrogenase deficiency. Last evaluated: 2018-01-12. Review status: criteria provided, single submitter. Criteria: ICSL Variant Classification Criteria 13 December 2019. Collection method: clinical testing. Allele origin: germline.

NM_000016.6(ACADM):c.927C>T (p.Phe309=)

Gene: ACADM (acyl-CoA dehydrogenase medium chain; plus strand). Cytogenetic location: 1p31.1.
Variant type: single nucleotide variant.
Coding change: c.927C>T on transcript NM_000016.6 (MANE Select); coding-DNA position 927, C replaced by T.
Protein change: p.Phe309=; no amino-acid change (phenylalanine 309 retained).
Molecular consequence: synonymous variant.
Genome position (GRCh38, 1-based): chr1:75,750,528, C>T. VCF-style: chr1-75750528-C-T. GRCh37 (hg19) VCF-style: chr1-76216213-C-T.
Other names: c.939C>T, p.Phe313= (NM_001127328.3); c.819C>T, p.Phe273= (NM_001286042.2); c.1026C>T, p.Phe342= (NM_001286043.2); c.360C>T, p.Phe120= (NM_001286044.2).
Identifiers: ClinVar variation 875360 (VCV000875360.22), dbSNP rs771550655, ClinGen allele CA24632043.
Genomic context (GRCh38, chr1:75,750,528, plus strand): 5'-TGGATTAGCACAAAGAGCTTTGGATGAAGCTACCAAGTATGCCCTGGAAAGGAAAACTTT[C>T]GGAAAGCTACTTGTAGAGGTAATTTTAATACTGCTTGCTTTGTTCAAATGTAAAGACACT-3'
Protein context (NP_000007.1, residues 299-319): ATKYALERKT[Phe309=]GKLLVEHQAI